The following is an entry in ClinVar:

NM_000257.4(MYH7):c.3830G>C (p.Arg1277Pro)

Gene: MYH7 (myosin heavy chain 7; minus strand). Cytogenetic location: 14q11.2.
Variant type: single nucleotide variant.
Coding change: c.3830G>C on transcript NM_000257.4 (MANE Select); coding-DNA position 3830, G replaced by C.
Protein change: p.Arg1277Pro; replaces arginine 1277 with proline.
Molecular consequence: missense variant.
Genome position (GRCh38, 1-based): chr14:23,419,506, C>G on the plus strand (G>C on the coding strand, the complement: MYH7 is on the minus strand). VCF-style: chr14-23419506-C-G. GRCh37 (hg19) VCF-style: chr14-23888715-C-G.
Other names: c.3830G>C (LRG_384t1); short protein forms R1277P.
Identifiers: ClinVar variation 222726 (VCV000222726.45), dbSNP rs397516195, ClinGen allele CA070665.
Genomic context (GRCh38, chr14:23,419,506, plus strand): 5'-TGTGGTGGGAACCATGGAGCCCCTGCTCTAGGCTCACCATTCTCGGTTTGCAACTTGGCC[C>G]GCTGGCTGGTGAGGTCGTTGACAGAACGCTGGGTCTCCTCCGCCTTGCTCCGGTGCTCAT-3'
Protein context (NP_000248.2, residues 1267-1287): QRSVNDLTSQ[Arg1277Pro]AKLQTENGEL

ClinVar aggregate classification (germline): Uncertain significance. Review status: criteria provided, multiple submitters, no conflicts (2 of 4 stars). 9 submissions from 9 submitters: Uncertain significance (9). Last evaluated 2025-10-02.

Conditions:
Myosin storage myopathy (CMYO7A). Also called: MYOPATHY WITH LYSIS OF TYPE I MYOFIBRILS; Scapuloperoneal myopathy, MYH7-related; MYOPATHY, HYALINE BODY, AUTOSOMAL DOMINANT; MYH7-related late-onset scapuloperoneal muscular dystrophy; Congenital myopathy 7A, myosin storage, autosomal dominant; SCAPULOPERONEAL MUSCULAR DYSTROPHY. Identifiers: Orphanet 437572, Orphanet 636965, MedGen C1842160, MONDO:0008409, OMIM 608358.
Cardiovascular phenotype. Identifiers: MedGen CN230736.
Cardiomyopathy (CMYO). Also called: Cardiomyopathies. Identifiers: Orphanet 167848, MedGen C0878544, MONDO:0004994, HP:0001638. Inheritance: Various modes of inheritance.
Hypertrophic cardiomyopathy. Also called: HYPERTROPHIC MYOCARDIOPATHY. Identifiers: Orphanet 217569, MedGen C0007194, MeSH D002312, MONDO:0005045, HP:0001639.

Submissions (9):

Labcorp Genetics (formerly Invitae), Labcorp
Classification: Uncertain significance for Hypertrophic cardiomyopathy. Last evaluated: 2025-10-02. Review status: criteria provided, single submitter. Criteria: Invitae Variant Classification Sherloc (09022015). Collection method: clinical testing. Allele origin: germline.
Comment: This sequence change replaces arginine, which is basic and polar, with proline, which is neutral and non-polar, at codon 1277 of the MYH7 protein (p.Arg1277Pro). This variant is not present in population databases (gnomAD no frequency). This missense change has been observed in individual(s) with left ventricular noncompaction (PMID: 30471092, 35527761). ClinVar contains an entry for this variant (Variation ID: 222726). Invitae Evidence Modeling of protein sequence and biophysical properties (such as structural, functional, and spatial information, amino acid conservation, physicochemical variation, residue mobility, and thermodynamic stability) indicates that this missense variant is expected to disrupt MYH7 protein function with a positive predictive value of 95%. In summary, the available evidence is currently insufficient to determine the role of this variant in disease. Therefore, it has been classified as a Variant of Uncertain Significance.

Laboratory of Genetics, Children's Clinical University Hospital Latvia
Classification: Uncertain significance. Last evaluated: 2025-02-16. Review status: criteria provided, single submitter. Criteria: ACMG Guidelines, 2015. Collection method: clinical testing. Allele origin: germline. Affected: yes.

Color Diagnostics, LLC DBA Color Health
Classification: Uncertain significance for Cardiomyopathy. Last evaluated: 2024-09-24. Review status: criteria provided, single submitter. Criteria: ACMG Guidelines, 2015. Collection method: clinical testing. Allele origin: germline.
Comment: This missense variant replaces arginine with proline at codon 1277 of the MYH7 protein. Computational prediction is inconclusive regarding the impact of this variant on protein structure and function. To our knowledge, functional studies have not been reported for this variant. This variant has not been identified in the general population by the Genome Aggregation Database (gnomAD). The available evidence is insufficient to determine the role of this variant in disease conclusively. Therefore, this variant is classified as a Variant of Uncertain Significance.

CeGaT Center for Human Genetics Tuebingen
Classification: Uncertain significance. Last evaluated: 2023-10-01. Review status: criteria provided, single submitter. Criteria: CeGaT Center For Human Genetics Tuebingen Variant Classification Criteria Version 2. Collection method: clinical testing. Allele origin: germline. Affected: yes. Observed: 1 variant allele.
Comment: MYH7: PM2, PM5

Kariminejad - Najmabadi Pathology & Genetics Center
Classification: Uncertain significance. Last evaluated: 2022-06-13. Review status: criteria provided, single submitter. Criteria: ACMG Guidelines, 2015. Collection method: clinical testing. Allele origin: germline. Inheritance: Autosomal dominant inheritance. Affected: yes.
Comment: PM2, PP2, PP3

Baylor Genetics
Classification: Uncertain significance for Myosin storage myopathy. Last evaluated: 2022-01-03. Review status: criteria provided, single submitter. Criteria: ACMG Guidelines, 2015. Collection method: clinical testing. Allele origin: unknown.

Revvity Omics, Revvity
Classification: Uncertain significance. Last evaluated: 2021-02-15. Review status: criteria provided, single submitter. Criteria: ACMG Guidelines, 2015. Collection method: clinical testing. Allele origin: germline.

Ambry Genetics
Classification: Uncertain significance for Cardiovascular phenotype. Last evaluated: 2017-05-10. Review status: criteria provided, single submitter. Criteria: Ambry Variant Classification Scheme 2023. Collection method: clinical testing. Allele origin: germline.
Comment: The p.R1277P variant (also known as c.3830G>C), located in coding exon 26 of the MYH7 gene, results from a G to C substitution at nucleotide position 3830. The arginine at codon 1277 is replaced by proline, an amino acid with dissimilar properties. This amino acid position is not well conserved in available vertebrate species. In addition, the in silico prediction for this alteration is inconclusive. Since supporting evidence is limited at this time, the clinical significance of this alteration remains unclear.

GeneDx
Classification: Uncertain significance. Last evaluated: 2017-02-03. Review status: criteria provided, single submitter. Criteria: GeneDx Variant Classification (06012015). Collection method: clinical testing. Allele origin: germline. Affected: yes.
Comment: A variant of uncertain significance has been identified in the MYH7 gene. The R1277P variant has not been published as pathogenic or been reported as benign to our knowledge. This variant is not observed in large population cohorts (Lek et al., 2016; 1000 Genomes Consortium et al., 2015; Exome Variant Server). The R1277P variant is a non-conservative amino acid substitution, which is likely to impact secondary protein structure as these residues differ in polarity, charge, size and/or other properties. This substitution occurs at a position where only amino acids with similar properties to arginine are tolerated across species and in silico analysis predicts this variant is probably damaging to the protein structure/function. Finally, while a missense variant in the same residue (R1277Q) has been reported in the Human Gene Mutation Database in association with cardiomyopathy (Stenson et al., 2014), the pathogenicity of this variant has not been definitively determined.

Literature cited by the submitters: PubMed 30471092 (cited by Labcorp Genetics (formerly Invitae), Labcorp); PubMed 35527761 (cited by Labcorp Genetics (formerly Invitae), Labcorp and Color Diagnostics, LLC DBA Color Health).